The following is an entry in ClinVar:

NM_004371.4(COPA):c.2993C>T (p.Ala998Val)

Gene: COPA (coat protein complex I subunit alpha; minus strand). Cytogenetic location: 1q23.2.
Variant type: single nucleotide variant.
Coding change: c.2993C>T on transcript NM_004371.4 (MANE Select); coding-DNA position 2993, C replaced by T.
Protein change: p.Ala998Val; replaces alanine 998 with valine.
Molecular consequence: missense variant.
Genome position (GRCh38, 1-based): chr1:160,292,166, G>A on the plus strand (C>T on the coding strand, the complement: COPA is on the minus strand). VCF-style: chr1-160292166-G-A. GRCh37 (hg19) VCF-style: chr1-160261956-G-A.
Other names: c.3020C>T (NM_001098398.1); c.3020C>T, p.Ala1007Val (NM_001098398.2); short protein forms A1007V, A998V.
Identifiers: ClinVar variation 1423956 (VCV001423956.10), dbSNP rs761919408, ClinGen allele CA1197710.

ClinVar aggregate classification (germline): Conflicting classifications of pathogenicity. Review status: criteria provided, conflicting classifications (1 of 4 stars). 3 submissions from 3 submitters: Uncertain significance (2); Likely benign (1). Last evaluated 2024-12-30.

Conditions:
Autoimmune interstitial lung disease-arthritis syndrome. Also called: Autoinflammation and autoimmunity, systemic, with immune dysregulation. Identifiers: Orphanet 444092, MedGen C5975714, MONDO:0014629.
Inborn genetic diseases. Identifiers: MedGen C0950123, MeSH D030342.

Allele frequency attached by ClinVar (database versions not stated): gnomAD exomes below 0.00001 and 0.00001; ExAC 0.00001; gnomAD 0.00001; TOPMed 0.00001.
gnomAD v4.1: 13 of 1,613,478 alleles (0.00081%); highest among the groups gnomAD compares: South Asian, 0.0011%; no homozygotes.

Submissions (3):

Ambry Genetics
Classification: Uncertain significance for Inborn genetic diseases. Last evaluated: 2024-12-30. Review status: criteria provided, single submitter. Criteria: Ambry Variant Classification Scheme 2023. Collection method: clinical testing. Allele origin: germline.

Johns Hopkins Genomics, Johns Hopkins University
Classification: Uncertain significance for Autoinflammation and autoimmunity with immune dysregulation 1. Last evaluated: 2024-01-11. Review status: criteria provided, single submitter. Criteria: ACMG Guidelines, 2015. Collection method: clinical testing. Allele origin: germline.
Comment: This COPA missense variant (rs761919408) is rare (<0.1%) in a large population dataset (gnomAD v4.0.0: 13/1613478 total alleles; 0.0008%; no homozygotes). It has been reported in ClinVar (Variation ID 1423956), but has not been reported in the literature, to our knowledge. Two bioinformatic tools queried predict that this substitution would be tolerated, but these algorithms have low specificity, especially for predicting gain of function or dominant negative variants. The alanine residue at this position is evolutionarily conserved across all except three of the species assessed, and all three species have valine instead. We consider the clinical significance of c.2993C>T in COPA to be uncertain at this time.

Labcorp Genetics (formerly Invitae), Labcorp
Classification: Likely benign for Autoimmune interstitial lung disease-arthritis syndrome. Last evaluated: 2022-07-19. Review status: criteria provided, single submitter. Criteria: Invitae Variant Classification Sherloc (09022015). Collection method: clinical testing. Allele origin: germline.

Literature cited by the submitters: PubMed 27048656 (cited by Johns Hopkins Genomics, Johns Hopkins University); PubMed 30804679 (cited by Johns Hopkins Genomics, Johns Hopkins University).